The following is an entry in ClinVar:

NM_032656.4(DHX37):c.1624G>A (p.Val542Met)

Gene: DHX37 (DEAH-box helicase 37; minus strand). Cytogenetic location: 12q24.31.
Variant type: single nucleotide variant.
Coding change: c.1624G>A on transcript NM_032656.4 (MANE Select); coding-DNA position 1624, G replaced by A.
Protein change: p.Val542Met; replaces valine 542 with methionine.
Molecular consequence: missense variant.
Genome position (GRCh38, 1-based): chr12:124,965,779, C>T on the plus strand (G>A on the coding strand, the complement: DHX37 is on the minus strand). VCF-style: chr12-124965779-C-T. GRCh37 (hg19) VCF-style: chr12-125450325-C-T.
Other names: short protein forms V542M.
Identifiers: ClinVar variation 4617337 (VCV004617337.2).

ClinVar aggregate classification (germline): Uncertain significance. Review status: criteria provided, multiple submitters, no conflicts (2 of 4 stars). 2 submissions from 2 submitters: Uncertain significance (2). Last evaluated 2026-02-03.

Conditions:
Inborn genetic diseases. Identifiers: MedGen C0950123, MeSH D030342.

gnomAD v4.1: 3 of 1,613,878 alleles (0.00019%); highest among the groups gnomAD compares: African/African-American, 0.0027%; no homozygotes.

Submissions (2):

Labcorp Genetics (formerly Invitae), Labcorp
Classification: Uncertain significance. Last evaluated: 2026-02-03. Review status: criteria provided, single submitter. Criteria: Invitae Variant Classification Sherloc (09022015). Collection method: clinical testing. Allele origin: germline.
Comment: This sequence change replaces valine, which is neutral and non-polar, with methionine, which is neutral and non-polar, at codon 542 of the DHX37 protein (p.Val542Met). This variant is not present in population databases (gnomAD no frequency). This variant has not been reported in the literature in individuals affected with DHX37-related conditions. Invitae Evidence Modeling of protein sequence and biophysical properties (such as structural, functional, and spatial information, amino acid conservation, physicochemical variation, residue mobility, and thermodynamic stability) indicates that this missense variant is not expected to disrupt DHX37 protein function with a negative predictive value of 80%. In summary, the available evidence is currently insufficient to determine the role of this variant in disease. Therefore, it has been classified as a Variant of Uncertain Significance.

Ambry Genetics
Classification: Uncertain significance for Inborn genetic diseases. Last evaluated: 2025-10-15. Review status: criteria provided, single submitter. Criteria: Ambry Variant Classification Scheme 2023. Collection method: clinical testing. Allele origin: germline.